The following is an entry in ClinVar:

ClinVar aggregate classification (germline): Uncertain significance (1 of 4 stars; one submission).

Conditions:
Inborn genetic diseases. Identifiers: MedGen C0950123, MeSH D030342.

Submission:

Ambry Genetics
Classification: Uncertain significance for Inborn genetic diseases. Last evaluated: 2026-04-28. Review status: criteria provided, single submitter. Criteria: Ambry Variant Classification Scheme 2023. Collection method: clinical testing. Allele origin: germline.
Comment: The p.V470A variant (also known as c.1409T>C), located in coding exon 1 of the SAMD9 gene, results from a T to C substitution at nucleotide position 1409. The valine at codon 470 is replaced by alanine, an amino acid with similar properties. This amino acid position is conserved. In addition, this alteration is predicted to be tolerated by in silico analysis. Based on the available evidence, the clinical significance of this variant remains unclear.

NM_017654.4(SAMD9):c.1409T>C (p.Val470Ala)

Gene: SAMD9 (sterile alpha motif domain containing 9; minus strand). Cytogenetic location: 7q21.2.
Variant type: single nucleotide variant.
Coding change: c.1409T>C on transcript NM_017654.4 (MANE Select); coding-DNA position 1409, T replaced by C.
Protein change: p.Val470Ala; replaces valine 470 with alanine.
Molecular consequence: missense variant.
Genome position (GRCh38, 1-based): chr7:93,104,689, A>G on the plus strand (T>C on the coding strand, the complement: SAMD9 is on the minus strand). VCF-style: chr7-93104689-A-G. GRCh37 (hg19) VCF-style: chr7-92734002-A-G.
Other names: c.1409T>C, p.Val470Ala (NM_001193307.2); short protein forms V470A.
Identifiers: ClinVar variation 4863839 (VCV004863839.1).
Genomic context (GRCh38, chr7:93,104,689, plus strand): 5'-CTGGGTTGATGGTAAAGATTTAGAGTAGAAATCGTCTCATTTGGTGTGGTTTTCTGTTCT[A>G]CATATACACTTGGAAAGTGAAGGTTTGCTACTCGGCTTTCTTTGTAAGCTTTGACCACTC-3'
Protein context (NP_060124.2, residues 460-480): VANLHFPSVY[Val470Ala]EQKTTPNETI